The following is an entry in ClinVar:

NM_001127392.3(MYRF):c.789dup (p.Ser264fs)

Gene: MYRF (myelin regulatory factor; plus strand). Cytogenetic location: 11q12.2.
Variant type: Duplication.
Coding change: c.789dup on transcript NM_001127392.3 (MANE Select); coding-DNA position 789, one base duplicated (C; older notation c.789dupC).
Protein change: p.Ser264fs; shifts the reading frame from serine 264.
Molecular consequence: frameshift variant.
Genome position (GRCh38, 1-based): chr11:61,771,548, C duplicated; the last of 8 consecutive C bases (chr11:61,771,541-61,771,548); duplicating any one gives the same sequence. VCF-style (leftmost placement, unchanged base first): chr11-61771540-T-TC. GRCh37 (hg19) VCF-style: chr11-61539012-T-TC.
Other names: c.762dup, p.Ser255fs (NM_013279.4); c.789dup (NM_001127392.2); short protein forms S255fs, S264fs.
Identifiers: ClinVar variation 817718 (VCV000817718.5), dbSNP rs769274302, ClinGen allele CA6037647.

ClinVar aggregate classification (germline): Pathogenic/Likely pathogenic. Review status: criteria provided, multiple submitters, no conflicts (2 of 4 stars). 4 submissions from 4 submitters: Pathogenic (3); Likely pathogenic (1). Last evaluated 2025-04-08.

Conditions:
Cardiac-urogenital syndrome (CUGS). Also called: MYRF-Related Cardiac Urogenital Syndrome. Identifiers: Orphanet 647811, MedGen C4748946, MONDO:0032653, OMIM 618280.
Non-immune hydrops fetalis (NIHF). Also called: Fetal edema; Idiopathic hydrops fetalis; Familial non-immune hydrops fetalis. Identifiers: Orphanet 363999, MedGen C0455988, MONDO:0009369, OMIM 236750, HP:0001790.
MYRF-related disorder. Also called: MYRF-related disorders; MYRF-related condition.

Submissions (4):

GeneDx
Classification: Pathogenic. Last evaluated: 2025-04-08. Review status: criteria provided, single submitter. Criteria: GeneDx Variant Classification Process June 2021. Collection method: clinical testing. Allele origin: germline. Affected: yes.
Comment: Frameshift variant predicted to result in protein truncation or nonsense mediated decay in a gene for which loss of function is a known mechanism of disease; This variant is associated with the following publications: (PMID: 31266062, 31048900, 33027564, 33057194, 36129575, 34788239, 35982159, 35365939)

Blueprint Genetics
Classification: Pathogenic for MYRF-related disorders. Last evaluated: 2023-05-22. Review status: criteria provided, single submitter. Criteria: ACMG Guidelines, 2015. Collection method: clinical testing. Allele origin: germline. Affected: yes. Observed: 1 variant allele.

Institute of Human Genetics, University of Leipzig Medical Center
Classification: Pathogenic for Cardiac-urogenital syndrome. Last evaluated: 2022-12-12. Review status: criteria provided, single submitter. Criteria: ACMG Guidelines, 2015. Collection method: clinical testing. Allele origin: unknown. Affected: yes.
Comment: _x000D_ Criteria applied: PVS1, PS2_SUP, PS4_SUP

Genomic Medicine Lab, University of California San Francisco
Classification: Likely pathogenic for Non-immune hydrops fetalis. Last evaluated: 2020-04-30. Review status: criteria provided, single submitter. Criteria: ACMG Guidelines, 2015. Collection method: clinical testing. Allele origin: de novo. Inheritance: Autosomal dominant inheritance. Affected: yes. Study: CSER-P3EGS.